The following is an entry in ClinVar:

ClinVar aggregate classification (germline): Pathogenic (1 of 4 stars; one submission).

Submission:

ISCA site 4
Classification: Pathogenic. Last evaluated: 2011-08-12. Review status: criteria provided, single submitter. Criteria: Kaminsky et al. (Genet Med. 2011). Collection method: clinical testing. Allele origin: unknown. Affected: yes. Observed: 1 variant allele.
Comment: Copy number variation identified through the course of routine clinical cytogenomic testing in postnatal populations. Clinical assertions have been curated as described in Kaminsky et al. 2011.

GRCh38/hg38 2q31.1-31.2(chr2:172779876-177598000)x1

Genes: AGPS (alkylglycerone phosphate synthase; plus strand), ATF2 (activating transcription factor 2; minus strand), ATP5MC3 (ATP synthase membrane subunit c locus 3; minus strand), CDCA7 (cell division cycle associated 7; plus strand), CHN1 (chimerin 1; minus strand) and 157 more. Cytogenetic location: 2q31.1-31.2.
Variant type: copy number loss.
Change: copy number 1 (one copy instead of two) of chr2:172,779,876-177,598,000 (4.82 Mb, GRCh38 coordinates, 1-based), cytogenetic band 2q31.1-31.2.
Identifiers: ClinVar variation 57130 (VCV000057130.1).